The following is an entry in ClinVar:

NM_001267550.2(TTN):c.100228G>A (p.Val33410Ile)

Genes: TTN (titin; minus strand), TTN-AS1 (TTN antisense RNA 1; plus strand), LOC126806420 (BRD4-independent group 4 enhancer GRCh37_chr2:179401104-179402303; plus strand). Cytogenetic location: 2q31.2.
Variant type: single nucleotide variant.
Coding change: c.100228G>A on transcript NM_001267550.2 (MANE Select); coding-DNA position 100228, G replaced by A.
Protein change: p.Val33410Ile; replaces valine 33410 with isoleucine.
Molecular consequence: missense variant.
Genome position (GRCh38, 1-based): chr2:178,536,519, C>T on the plus strand (G>A on the coding strand, the complement: TTN is on the minus strand). VCF-style: chr2-178536519-C-T. GRCh37 (hg19) VCF-style: chr2-179401246-C-T.
Other names: c.95305G>A, p.Val31769Ile (NM_001256850.1); c.73033G>A, p.Val24345Ile (NM_003319.4); c.92524G>A, p.Val30842Ile (NM_133378.4); c.73408G>A, p.Val24470Ile (NM_133432.3); c.73609G>A, p.Val24537Ile (NM_133437.4); short protein forms V24345I, V24470I, V24537I, V30842I, V31769I, V33410I.
Identifiers: ClinVar variation 1309836 (VCV001309836.4), dbSNP rs1691577355, ClinGen allele CA349426484.

ClinVar aggregate classification (germline): Uncertain significance. Review status: criteria provided, multiple submitters, no conflicts (2 of 4 stars). 2 submissions from 2 submitters: Uncertain significance (2). Last evaluated 2024-03-08.

Allele frequency attached by ClinVar (database versions not stated): gnomAD exomes below 0.00001; TOPMed below 0.00001.
gnomAD v4.1: 1 of 1,535,904 alleles (0.000065%); highest among the groups gnomAD compares: Non-Finnish European, 0.000087%; no homozygotes.

Submissions (2):

Women's Health and Genetics/Laboratory Corporation of America, LabCorp
Classification: Uncertain significance. Last evaluated: 2024-03-08. Review status: criteria provided, single submitter. Criteria: LabCorp Variant Classification Summary - May 2015. Collection method: clinical testing. Allele origin: germline.
Comment: Variant summary: TTN c.92524G>A (p.Val30842Ile) results in a conservative amino acid change located in the A-band region of the encoded protein sequence. Two of three in-silico tools predict a benign effect of the variant on protein function. The variant was absent in 183418 control chromosomes (gnomAD v2.1). The available data on variant occurrences in the general population are insufficient to allow any conclusion about variant significance. To our knowledge, no occurrence of c.92524G>A in individuals affected with Limb-Girdle Muscular Dystrophy, Type 2J and no experimental evidence demonstrating its impact on protein function have been reported. ClinVar contains an entry for this variant (Variation ID: 1309836). Based on the evidence outlined above, the variant was classified as uncertain significance.

GeneDx
Classification: Uncertain significance. Last evaluated: 2019-10-30. Review status: criteria provided, single submitter. Criteria: GeneDx Variant Classification Process June 2021. Collection method: clinical testing. Allele origin: germline. Affected: yes.
Comment: Has not been previously published as pathogenic or benign to our knowledge; Not observed in large population cohorts (Lek et al., 2016); Missense variant in a gene in which most reported pathogenic variants are truncating/loss-of-function